The following is an entry in ClinVar:

NM_004380.3(CREBBP):c.5886C>T (p.Ile1962=)

Gene: CREBBP (CREB binding lysine acetyltransferase; minus strand). Cytogenetic location: 16p13.3.
Variant type: single nucleotide variant.
Coding change: c.5886C>T on transcript NM_004380.3 (MANE Select); coding-DNA position 5886, C replaced by T.
Protein change: p.Ile1962=; no amino-acid change (isoleucine 1962 retained).
Molecular consequence: synonymous variant.
Genome position (GRCh38, 1-based): chr16:3,729,161, G>A on the plus strand (C>T on the coding strand, the complement: CREBBP is on the minus strand). VCF-style: chr16-3729161-G-A. GRCh37 (hg19) VCF-style: chr16-3779162-G-A.
Other names: c.5772C>T, p.Ile1924= (NM_001079846.1).
Identifiers: ClinVar variation 766921 (VCV000766921.19), dbSNP rs370565083, ClinGen allele CA7869232.

ClinVar aggregate classification (germline): Benign/Likely benign. Review status: criteria provided, multiple submitters, no conflicts (2 of 4 stars). 6 submissions from 6 submitters: Benign (1); Likely benign (4). 1 of the submissions does not count toward it. Last evaluated 2026-02-01.

Conditions:
Menke-Hennekam syndrome 1 (MKHK1). Identifiers: MedGen C5193034, MONDO:0020763, OMIM 618332.
Rubinstein-Taybi syndrome due to CREBBP mutations (RSTS1). Also called: CREBBP-Related Rubinstein-Taybi Syndrome; RUBINSTEIN-TAYBI SYNDROME 1, INCOMPLETE; BROAD THUMB-HALLUX SYNDROME; Rubinstein-Taybi syndrome 1; RUBINSTEIN SYNDROME; BROAD THUMBS AND GREAT TOES, CHARACTERISTIC FACIES, AND IMPAIRED INTELLECTUAL DEVELOPMENT. Identifiers: Orphanet 353277, Orphanet 783, MedGen C4551859, MONDO:0008393, OMIM 180849.
Inborn genetic diseases. Identifiers: MedGen C0950123, MeSH D030342.
CREBBP-related disorder. Also called: CREBBP-related condition; CREBBP-related disorders.
Rubinstein-Taybi syndrome (RSTS). Identifiers: Orphanet 783, MedGen C0035934, MONDO:0019188.

Allele frequency attached by ClinVar (database versions not stated): gnomAD exomes 0.00014; 1000 Genomes Project 30x 0.00016; ESP Exome Variant Server 0.00031; ExAC 0.00034; gnomAD 0.00041 and 0.00049; TOPMed 0.00049; 1000 Genomes Project 0.00080.
gnomAD v4.1: 198 of 1,472,474 alleles (0.013%); highest among the groups gnomAD compares: African/African-American, 0.16%; no homozygotes.

Submissions (6):

CeGaT Center for Human Genetics Tuebingen
Classification: Likely benign. Last evaluated: 2026-02-01. Review status: criteria provided, single submitter. Criteria: CeGaT Center For Human Genetics Tuebingen Variant Classification Criteria Version 2. Collection method: clinical testing. Allele origin: germline. Affected: yes. Observed: 1 variant allele.
Comment: CREBBP: BP4, BP7

Labcorp Genetics (formerly Invitae), Labcorp
Classification: Likely benign for Rubinstein-Taybi syndrome. Last evaluated: 2025-07-27. Review status: criteria provided, single submitter. Criteria: Invitae Variant Classification Sherloc (09022015). Collection method: clinical testing. Allele origin: germline.

Fulgent Genetics
Classification: Likely benign for Rubinstein-Taybi syndrome due to CREBBP mutations; Menke-Hennekam syndrome 1. Last evaluated: 2021-08-25. Review status: criteria provided, single submitter. Criteria: ACMG Guidelines, 2015. Collection method: clinical testing. Allele origin: unknown.

GeneDx
Classification: Benign. Last evaluated: 2020-10-27. Review status: criteria provided, single submitter. Criteria: GeneDx Variant Classification Process June 2021. Collection method: clinical testing. Allele origin: germline. Affected: yes.

Ambry Genetics
Classification: Likely benign for Inborn genetic diseases. Last evaluated: 2017-12-18. Review status: criteria provided, single submitter. Criteria: Ambry Variant Classification Scheme 2023. Collection method: clinical testing. Allele origin: germline.

PreventionGenetics, part of Exact Sciences
Classification: Likely benign for CREBBP-related condition. Last evaluated: 2021-07-02. Review status: no assertion criteria provided. Collection method: clinical testing. Allele origin: germline. Not counted in ClinVar's aggregate classification.
Comment: This variant is classified as likely benign based on ACMG/AMP sequence variant interpretation guidelines (Richards et al. 2015 PMID: 25741868, with internal and published modifications).